The following is an entry in ClinVar:

ClinVar aggregate classification (germline): Uncertain significance. Review status: criteria provided, multiple submitters, no conflicts (2 of 4 stars). 2 submissions from 2 submitters: Uncertain significance (2). Last evaluated 2024-11-25.

Conditions:
Generalized epilepsy with febrile seizures plus, type 7 (GEFSP7). Also called: GEFS+, TYPE 7. Identifiers: Orphanet 36387, MedGen C2751778, MONDO:0013470, OMIM 613863.
Neuropathy, hereditary sensory and autonomic, type 2A (HSAN2A). Also called: MORVAN DISEASE; WNK1-Related HSAN2 (HSAN2A); NEUROPATHY, CONGENITAL SENSORY; NEUROPATHY, HEREDITARY SENSORY RADICULAR, AUTOSOMAL RECESSIVE; NEUROPATHY, HEREDITARY SENSORY, TYPE IIA; NEUROPATHY, PROGRESSIVE SENSORY, OF CHILDREN. Identifiers: Orphanet 970, MedGen C2752089, MONDO:0024309, OMIM 201300.

gnomAD v4.1: 3 of 1,614,064 alleles (0.00019%); highest among the groups gnomAD compares: Non-Finnish European, 0.00017%; no homozygotes.

Submissions (2):

Labcorp Genetics (formerly Invitae), Labcorp
Classification: Uncertain significance for Neuropathy, hereditary sensory and autonomic, type 2A; Generalized epilepsy with febrile seizures plus, type 7. Last evaluated: 2024-11-25. Review status: criteria provided, single submitter. Criteria: Invitae Variant Classification Sherloc (09022015). Collection method: clinical testing. Allele origin: germline.
Comment: This sequence change replaces glycine, which is neutral and non-polar, with glutamic acid, which is acidic and polar, at codon 1843 of the SCN9A protein (p.Gly1843Glu). This variant is not present in population databases (gnomAD no frequency). This variant has not been reported in the literature in individuals affected with SCN9A-related conditions. ClinVar contains an entry for this variant (Variation ID: 234413). Invitae Evidence Modeling of protein sequence and biophysical properties (such as structural, functional, and spatial information, amino acid conservation, physicochemical variation, residue mobility, and thermodynamic stability) indicates that this missense variant is not expected to disrupt SCN9A protein function with a negative predictive value of 95%. In summary, the available evidence is currently insufficient to determine the role of this variant in disease. Therefore, it has been classified as a Variant of Uncertain Significance.

GeneDx
Classification: Uncertain significance. Last evaluated: 2022-06-09. Review status: criteria provided, single submitter. Criteria: GeneDx Variant Classification Process June 2021. Collection method: clinical testing. Allele origin: germline. Affected: yes.
Comment: Not observed at significant frequency in large population cohorts (gnomAD); In silico analysis supports that this missense variant has a deleterious effect on protein structure/function; Has not been previously published as pathogenic or benign to our knowledge

NM_001365536.1(SCN9A):c.5561G>A (p.Gly1854Glu)

Genes: SCN9A (sodium voltage-gated channel alpha subunit 9; minus strand), SCN1A-AS1 (SCN1A and SCN9A antisense RNA 1; plus strand). Cytogenetic location: 2q24.3.
Variant type: single nucleotide variant.
Coding change: c.5561G>A on transcript NM_001365536.1 (MANE Select); coding-DNA position 5561, G replaced by A.
Protein change: p.Gly1854Glu; replaces glycine 1854 with glutamic acid.
Molecular consequence: missense variant.
Genome position (GRCh38, 1-based): chr2:166,199,078, C>T on the plus strand (G>A on the coding strand, the complement: SCN9A is on the minus strand). VCF-style: chr2-166199078-C-T. GRCh37 (hg19) VCF-style: chr2-167055588-C-T.
Other names: c.5528G>A, p.Gly1843Glu (NM_002977.4); short protein forms G1843E, G1854E.
Identifiers: ClinVar variation 234413 (VCV000234413.6), dbSNP rs876661011, ClinGen allele CA10577239.